The following is an entry in ClinVar:

ClinVar aggregate classification (germline): Likely benign. Review status: criteria provided, multiple submitters, no conflicts (2 of 4 stars). 2 submissions from 2 submitters: Likely benign (2). Last evaluated 2024-12-12.

Conditions:
GPC3-related disorder. Also called: GPC3-related condition.
Wilms tumor 1 (WT1). Also called: Wilms tumor, somatic. Identifiers: Orphanet 654, MedGen CN033288, MONDO:0008679, OMIM 194070.

gnomAD v4.1: 1 of 1,206,179 alleles (0.000083%); highest among the groups gnomAD compares: Non-Finnish European, 0.00011%; no homozygotes.

Submissions (2):

PreventionGenetics, part of Exact Sciences
Classification: Likely benign for GPC3-related condition. Last evaluated: 2024-12-12. Review status: criteria provided, single submitter. Criteria: ACMG Guidelines, 2015. Collection method: clinical testing. Allele origin: germline.
Comment: This variant is classified as likely benign based on ACMG/AMP sequence variant interpretation guidelines (Richards et al. 2015 PMID: 25741868, with internal and published modifications).

Labcorp Genetics (formerly Invitae), Labcorp
Classification: Likely benign for Wilms tumor 1. Last evaluated: 2023-08-02. Review status: criteria provided, single submitter. Criteria: Invitae Variant Classification Sherloc (09022015). Collection method: clinical testing. Allele origin: germline.

NM_004484.4(GPC3):c.1188G>A (p.Lys396=)

Gene: GPC3 (glypican 3; minus strand). Cytogenetic location: Xq26.2.
Variant type: single nucleotide variant.
Coding change: c.1188G>A on transcript NM_004484.4 (MANE Select); coding-DNA position 1188, G replaced by A.
Protein change: p.Lys396=; no amino-acid change (lysine 396 retained).
Molecular consequence: synonymous variant.
Genome position (GRCh38, 1-based): chrX:133,692,473, C>T on the plus strand (G>A on the coding strand, the complement: GPC3 is on the minus strand). VCF-style: chrX-133692473-C-T. GRCh37 (hg19) VCF-style: chrX-132826501-C-T.
Other names: c.1257G>A, p.Lys419= (NM_001164617.2); c.1140G>A, p.Lys380= (NM_001164618.2); c.1026G>A, p.Lys342= (NM_001164619.2).
Identifiers: ClinVar variation 2703009 (VCV002703009.4), dbSNP rs2521132684, ClinGen allele CA518638533.